The following is an entry in ClinVar:

ClinVar aggregate classification (germline): Likely benign (0 of 4 stars; one submission).

Conditions:
ROGDI-related disorder. Also called: ROGDI-related condition.

Allele frequency attached by ClinVar (database versions not stated): gnomAD exomes 0.00006; gnomAD 0.00009; TOPMed 0.00015.
gnomAD v4.1: 86 of 1,223,864 alleles (0.007%); highest among the groups gnomAD compares: East Asian, 0.24%; no homozygotes.

Submission:

PreventionGenetics, part of Exact Sciences
Classification: Likely benign for ROGDI-related condition. Last evaluated: 2021-10-11. Review status: no assertion criteria provided. Collection method: clinical testing. Allele origin: germline.
Comment: This variant is classified as likely benign based on ACMG/AMP sequence variant interpretation guidelines (Richards et al. 2015 PMID: 25741868, with internal and published modifications).

NM_024589.3(ROGDI):c.46-27G>A

Gene: ROGDI (rogdi atypical leucine zipper; minus strand). Cytogenetic location: 16p13.3.
Variant type: single nucleotide variant.
Coding change: c.46-27G>A on transcript NM_024589.3 (MANE Select); 27 bases into the intron before coding-DNA position 46, G replaced by A.
Molecular consequence: intron variant.
Genome position (GRCh38, 1-based): chr16:4,802,480, C>T on the plus strand (G>A on the coding strand, the complement: ROGDI is on the minus strand). VCF-style: chr16-4802480-C-T. GRCh37 (hg19) VCF-style: chr16-4852481-C-T.
Identifiers: ClinVar variation 3047846 (VCV003047846.2), dbSNP rs374153036, ClinGen allele CA7883042.
Genomic context (GRCh38, chr16:4,802,480, plus strand): 5'-CCTCGTCGTGCAGCAGCCAGCGGAACTCCTCCTCCTGCGGGACAGACCCGGCGGTCGCGC[C>T]CGGCCCCGCCGCCCCGCCGGCCCGCCCGCTGGCCCGCGCGCCTTACCAGCACCGCCCGCT-3'